The following is an entry in ClinVar:

ClinVar aggregate classification (germline): Uncertain significance (1 of 4 stars; one submission).

Conditions:
Bardet-Biedl syndrome (BBS). Identifiers: Orphanet 110, MedGen C0752166, MONDO:0015229.

Allele frequency attached by ClinVar (database versions not stated): gnomAD exomes below 0.00001; TOPMed below 0.00001.
gnomAD v4.1: 1 of 1,614,232 alleles (0.000062%); highest among the groups gnomAD compares: African/African-American, 0.0013%; no homozygotes.

Submission:

Labcorp Genetics (formerly Invitae), Labcorp
Classification: Uncertain significance for Bardet-Biedl syndrome. Last evaluated: 2024-10-26. Review status: criteria provided, single submitter. Criteria: Invitae Variant Classification Sherloc (09022015). Collection method: clinical testing. Allele origin: germline.
Comment: This sequence change replaces valine, which is neutral and non-polar, with glutamic acid, which is acidic and polar, at codon 299 of the BBS12 protein (p.Val299Glu). This variant is not present in population databases (gnomAD no frequency). This variant has not been reported in the literature in individuals affected with BBS12-related conditions. ClinVar contains an entry for this variant (Variation ID: 2134112). Invitae Evidence Modeling of protein sequence and biophysical properties (such as structural, functional, and spatial information, amino acid conservation, physicochemical variation, residue mobility, and thermodynamic stability) has been performed for this missense variant. However, the output from this modeling did not meet the statistical confidence thresholds required to predict the impact of this variant on BBS12 protein function. In summary, the available evidence is currently insufficient to determine the role of this variant in disease. Therefore, it has been classified as a Variant of Uncertain Significance.

NM_152618.3(BBS12):c.896T>A (p.Val299Glu)

Gene: BBS12 (Bardet-Biedl syndrome 12; plus strand). Cytogenetic location: 4q27.
Variant type: single nucleotide variant.
Coding change: c.896T>A on transcript NM_152618.3 (MANE Select); coding-DNA position 896, T replaced by A.
Protein change: p.Val299Glu; replaces valine 299 with glutamic acid.
Molecular consequence: missense variant.
Genome position (GRCh38, 1-based): chr4:122,742,788, T>A. VCF-style: chr4-122742788-T-A. GRCh37 (hg19) VCF-style: chr4-123663943-T-A.
Other names: c.896T>A, p.Val299Glu (NM_001178007.2); short protein forms V299E.
Identifiers: ClinVar variation 2134112 (VCV002134112.4), dbSNP rs1800903484, ClinGen allele CA358223944.